The following is an entry in ClinVar:

ClinVar aggregate classification (germline): Pathogenic. Review status: criteria provided, single submitter (1 of 4 stars). 2 submissions from 2 submitters: Pathogenic (1). 1 of the submissions does not count toward it. Last evaluated 2024-05-01.

Conditions:
Severe myoclonic epilepsy in infancy (DRVT). Also called: DEVELOPMENTAL AND EPILEPTIC ENCEPHALOPATHY 6A; Severe Myoclonic Epilepsy in Infancy (SMEI); Epileptic encephalopathy, early infantile, 6 (Dravet syndrome); SEVERE MYOCLONIC EPILEPSY OF INFANCY; Dravet syndrome. Identifiers: Orphanet 33069, MedGen C0751122, MONDO:0100135, OMIM 607208.

Submissions (2):

CeGaT Center for Human Genetics Tuebingen
Classification: Pathogenic. Last evaluated: 2024-05-01. Review status: criteria provided, single submitter. Criteria: CeGaT Center For Human Genetics Tuebingen Variant Classification Criteria Version 2. Collection method: clinical testing. Allele origin: germline. Affected: yes. Observed: 1 variant allele.
Comment: SCN1A: PM1, PM2, PM5, PS4:Moderate, PM6:Supporting, PP3

UniProtKB/Swiss-Prot
No classification provided. Condition: Severe myoclonic epilepsy in infancy. Review status: no classification provided. Collection method: not provided. Allele origin: unknown. Not counted in ClinVar's aggregate classification.

NM_001165963.4(SCN1A):c.5141T>G (p.Met1714Arg)

Genes: SCN1A (sodium voltage-gated channel alpha subunit 1; minus strand), LOC102724058 (uncharacterized LOC102724058; plus strand). Cytogenetic location: 2q24.3.
Variant type: single nucleotide variant.
Coding change: c.5141T>G on transcript NM_001165963.4 (MANE Select); coding-DNA position 5141, T replaced by G.
Protein change: p.Met1714Arg; replaces methionine 1714 with arginine.
Molecular consequence: missense variant. On other transcripts: non-coding transcript variant (1).
Genome position (GRCh38, 1-based): chr2:165,992,134, A>C on the plus strand (T>G on the coding strand, the complement: SCN1A is on the minus strand). VCF-style: chr2-165992134-A-C. GRCh37 (hg19) VCF-style: chr2-166848644-A-C.
Other names: c.5057T>G, p.Met1686Arg (NM_001165964.3, NM_001353957.2, NM_001353958.2); c.5141T>G, p.Met1714Arg (NM_001202435.3, NM_001353948.2); c.5108T>G, p.Met1703Arg (NM_001353949.2, NM_001353950.2, NM_001353951.2 and 2 more transcripts); c.5105T>G, p.Met1702Arg (NM_001353954.2, NM_001353955.2); c.5054T>G, p.Met1685Arg (NM_001353960.2); c.2699T>G, p.Met900Arg (NM_001353961.2); short protein forms M1703R, M1714R, M1685R, M1686R, M900R, M1702R.
Identifiers: ClinVar variation 68564 (VCV000068564.20), dbSNP rs121917949, ClinGen allele CA285003.